The following is an entry in ClinVar:

ClinVar aggregate classification (germline): Likely pathogenic (1 of 4 stars; one submission).

Conditions:
Galactosylceramide beta-galactosidase deficiency. Also called: GALACTOCEREBROSIDASE DEFICIENCY; GALC DEFICIENCY; GLOBOID CELL LEUKOENCEPHALOPATHY; Leukodystrophy, Globoid Cell; Krabbe Disease. Identifiers: Orphanet 487, MedGen C0023521, MONDO:0009499, OMIM 245200.

Submission:

Myriad Genetics, Inc.
Classification: Likely pathogenic for Galactosylceramide beta-galactosidase deficiency. Last evaluated: 2022-01-02. Review status: criteria provided, single submitter. Criteria: Myriad Women's Health Autosomal Recessive and X-Linked Classification Criteria (2021). Collection method: clinical testing. Allele origin: unknown.
Comment: NM_000153.3(GALC):c.646_647delCA(Q216Rfs*11) is expected to be pathogenic in the context of Krabbe disease. This variant is predicted to lead to an abnormal or absent protein product due to the creation of a premature termination codon in GALC, a gene where loss-of-function variants are known to be pathogenic. Please note: this variant was assessed in the context of healthy population screening.

NM_000153.4(GALC):c.646_647del (p.Gln216fs)

Gene: GALC (galactosylceramidase; minus strand). Cytogenetic location: 14q31.3.
Variant type: Deletion.
Coding change: c.646_647del on transcript NM_000153.4 (MANE Select); coding-DNA positions 646 to 647, 2 bases deleted (CA; older notation c.646_647delCA).
Protein change: p.Gln216fs; shifts the reading frame from glutamine 216.
Molecular consequence: frameshift variant.
Genome position (GRCh38, 1-based): chr14:87,976,463-87,976,464, TG deleted on the plus strand (CA on the coding strand, the reverse complement: GALC is on the minus strand). VCF-style (leftmost placement, unchanged base first): chr14-87976462-TTG-T. GRCh37 (hg19) VCF-style: chr14-88442806-TTG-T.
Other names: c.577_578del, p.Gln193fs (NM_001201401.2); c.568_569del, p.Gln190fs (NM_001201402.2); short protein forms Q190fs, Q193fs, Q216fs.
Identifiers: ClinVar variation 1726925 (VCV001726925.2), dbSNP rs2503477336, ClinGen allele CA2580088851.